The following is an entry in ClinVar:

NM_001142800.2(EYS):c.929C>G (p.Pro310Arg)

Gene: EYS (EGF-like photoreceptor maintenance factor; minus strand). Cytogenetic location: 6q12.
Variant type: single nucleotide variant.
Coding change: c.929C>G on transcript NM_001142800.2 (MANE Select); coding-DNA position 929, C replaced by G.
Protein change: p.Pro310Arg; replaces proline 310 with arginine.
Molecular consequence: missense variant.
Genome position (GRCh38, 1-based): chr6:65,405,301, G>C on the plus strand (C>G on the coding strand, the complement: EYS is on the minus strand). VCF-style: chr6-65405301-G-C. GRCh37 (hg19) VCF-style: chr6-66115194-G-C.
Other names: c.929C>G, p.Pro310Arg (NM_001142801.2, NM_001292009.2, NM_198283.2); short protein forms P310R.
Identifiers: ClinVar variation 2082331 (VCV002082331.5), dbSNP rs2150365559, ClinGen allele CA364662823.

ClinVar aggregate classification (germline): Uncertain significance. Review status: criteria provided, multiple submitters, no conflicts (2 of 4 stars). 2 submissions from 2 submitters: Uncertain significance (2). Last evaluated 2023-02-24.

Allele frequency attached by ClinVar (database versions not stated): gnomAD exomes below 0.00001.
gnomAD v4.1: 1 of 1,612,658 alleles (0.000062%); highest among the groups gnomAD compares: Non-Finnish European, 0.000085%; no homozygotes.

Submissions (2):

Blueprint Genetics
Classification: Uncertain significance. Last evaluated: 2023-02-24. Review status: criteria provided, single submitter. Criteria: ACMG Guidelines, 2015. Collection method: clinical testing. Allele origin: germline.

Labcorp Genetics (formerly Invitae), Labcorp
Classification: Uncertain significance. Last evaluated: 2022-01-21. Review status: criteria provided, single submitter. Criteria: Invitae Variant Classification Sherloc (09022015). Collection method: clinical testing. Allele origin: germline.
Comment: This sequence change replaces proline, which is neutral and non-polar, with arginine, which is basic and polar, at codon 310 of the EYS protein (p.Pro310Arg). This variant is not present in population databases (gnomAD no frequency). This variant has not been reported in the literature in individuals affected with EYS-related conditions. Algorithms developed to predict the effect of missense changes on protein structure and function output the following: SIFT: "Tolerated"; PolyPhen-2: "Benign"; Align-GVGD: "Class C0". The arginine amino acid residue is found in multiple mammalian species, which suggests that this missense change does not adversely affect protein function. In summary, the available evidence is currently insufficient to determine the role of this variant in disease. Therefore, it has been classified as a Variant of Uncertain Significance.